The following is an entry in ClinVar:

NM_000246.4(CIITA):c.2079C>T (p.Gly693=)

Gene: CIITA (class II major histocompatibility complex transactivator; plus strand). Cytogenetic location: 16p13.13.
Variant type: single nucleotide variant.
Coding change: c.2079C>T on transcript NM_000246.4 (MANE Select); coding-DNA position 2079, C replaced by T.
Protein change: p.Gly693=; no amino-acid change (glycine 693 retained).
Molecular consequence: synonymous variant. On other transcripts: intron variant (1).
Genome position (GRCh38, 1-based): chr16:10,907,571, C>T. VCF-style: chr16-10907571-C-T. GRCh37 (hg19) VCF-style: chr16-11001428-C-T.
Other names: c.2082C>T, p.Gly694= (NM_001286402.1, NM_001379332.1); c.1935C>T, p.Gly645= (NM_001379330.1); c.1932C>T, p.Gly644= (NM_001379331.1); c.2079C>T, p.Gly693= (NM_001379333.1); c.2010C>T, p.Gly670= (NM_001379334.1); c.860-1412C>T (NM_001286403.2).
Identifiers: ClinVar variation 2199963 (VCV002199963.6), dbSNP rs749939330, ClinGen allele CA7900287.

ClinVar aggregate classification (germline): Likely benign. Review status: criteria provided, single submitter (1 of 4 stars). 2 submissions from 2 submitters: Likely benign (1). 1 of the submissions does not count toward it. Last evaluated 2026-01-19.

Conditions:
MHC class II deficiency. Also called: Bare lymphocyte syndrome 2; BLS, TYPE II. Identifiers: Orphanet 572, MedGen C5447452, MONDO:0008855.
CIITA-related disorder. Also called: CIITA-related condition.

Allele frequency attached by ClinVar (database versions not stated): gnomAD 0.00001.
gnomAD v4.1: 12 of 1,614,082 alleles (0.00074%); highest among the groups gnomAD compares: East Asian, 0.0045%; no homozygotes.

Submissions (2):

Labcorp Genetics (formerly Invitae), Labcorp
Classification: Likely benign for MHC class II deficiency. Last evaluated: 2026-01-19. Review status: criteria provided, single submitter. Criteria: Invitae Variant Classification Sherloc (09022015). Collection method: clinical testing. Allele origin: germline.

PreventionGenetics, part of Exact Sciences
Classification: Likely benign for CIITA-related condition. Last evaluated: 2019-03-26. Review status: no assertion criteria provided. Collection method: clinical testing. Allele origin: germline. Not counted in ClinVar's aggregate classification.
Comment: This variant is classified as likely benign based on ACMG/AMP sequence variant interpretation guidelines (Richards et al. 2015 PMID: 25741868, with internal and published modifications).